The following is an entry in ClinVar:

ClinVar aggregate classification (germline): Uncertain significance (1 of 4 stars; one submission).

Conditions:
Primary ciliary dyskinesia. Also called: Ciliary dyskinesia. Identifiers: Orphanet 244, MedGen C0008780, MONDO:0016575, HP:0012265.

Allele frequency attached by ClinVar (database versions not stated): gnomAD exomes below 0.00001.

Submission:

Labcorp Genetics (formerly Invitae), Labcorp
Classification: Uncertain significance for Primary ciliary dyskinesia. Last evaluated: 2022-07-19. Review status: criteria provided, single submitter. Criteria: Invitae Variant Classification Sherloc (09022015). Collection method: clinical testing. Allele origin: germline.
Comment: This sequence change replaces glycine, which is neutral and non-polar, with serine, which is neutral and polar, at codon 38 of the DNAI1 protein (p.Gly38Ser). This variant is not present in population databases (gnomAD no frequency). This variant has not been reported in the literature in individuals affected with DNAI1-related conditions. Algorithms developed to predict the effect of missense changes on protein structure and function are either unavailable or do not agree on the potential impact of this missense change (SIFT: "Tolerated"; PolyPhen-2: "Possibly Damaging"; Align-GVGD: "Class C0"). In summary, the available evidence is currently insufficient to determine the role of this variant in disease. Therefore, it has been classified as a Variant of Uncertain Significance.

NM_012144.4(DNAI1):c.112G>A (p.Gly38Ser)

Gene: DNAI1 (dynein axonemal intermediate chain 1; plus strand). Cytogenetic location: 9p13.3.
Variant type: single nucleotide variant.
Coding change: c.112G>A on transcript NM_012144.4 (MANE Select); coding-DNA position 112, G replaced by A.
Protein change: p.Gly38Ser; replaces glycine 38 with serine.
Molecular consequence: missense variant.
Genome position (GRCh38, 1-based): chr9:34,485,172, G>A. VCF-style: chr9-34485172-G-A. GRCh37 (hg19) VCF-style: chr9-34485170-G-A.
Other names: c.112G>A, p.Gly38Ser (NM_001281428.2); short protein forms G38S.
Identifiers: ClinVar variation 2162624 (VCV002162624.1), dbSNP rs2492025475, ClinGen allele CA373241894.